The following is an entry in ClinVar:

ClinVar aggregate classification (germline): Uncertain significance (1 of 4 stars; one submission).

Conditions:
Fanconi anemia (FA). Also called: Fanconi's anemia. Identifiers: Orphanet 84, MedGen C0015625, MeSH D005199, MONDO:0019391.

gnomAD v4.1: 1 of 1,613,790 alleles (0.000062%); highest among the groups gnomAD compares: Non-Finnish European, 0.000085%; no homozygotes.

Submissions (2):

Labcorp Genetics (formerly Invitae), Labcorp
Classification: Uncertain significance for Fanconi anemia. Last evaluated: 2024-11-05. Review status: criteria provided, single submitter. Criteria: Invitae Variant Classification Sherloc (09022015). Collection method: clinical testing. Allele origin: germline.
Comment: This sequence change replaces lysine, which is basic and polar, with threonine, which is neutral and polar, at codon 453 of the FANCA protein (p.Lys453Thr). This variant is not present in population databases (gnomAD no frequency). This variant has not been reported in the literature in individuals affected with FANCA-related conditions. Invitae Evidence Modeling of protein sequence and biophysical properties (such as structural, functional, and spatial information, amino acid conservation, physicochemical variation, residue mobility, and thermodynamic stability) indicates that this missense variant is not expected to disrupt FANCA protein function with a negative predictive value of 95%. In summary, the available evidence is currently insufficient to determine the role of this variant in disease. Therefore, it has been classified as a Variant of Uncertain Significance.

Dr. Peter K. Rogan Lab, Western University
No classification provided (evidence only). Condition: Ovarian serous cystadenocarcinoma. Review status: no classification provided. Collection method: in vitro. Allele origin: not applicable. Functional consequence: retained intron. Not counted in ClinVar's aggregate classification.

NM_000135.4(FANCA):c.1358A>C (p.Lys453Thr)

Gene: FANCA (FA complementation group A; minus strand). Cytogenetic location: 16q24.3.
Variant type: single nucleotide variant.
Coding change: c.1358A>C on transcript NM_000135.4 (MANE Select); coding-DNA position 1358, A replaced by C.
Protein change: p.Lys453Thr; replaces lysine 453 with threonine.
Molecular consequence: missense variant.
Genome position (GRCh38, 1-based): chr16:89,791,404, T>G on the plus strand (A>C on the coding strand, the complement: FANCA is on the minus strand). VCF-style: chr16-89791404-T-G. GRCh37 (hg19) VCF-style: chr16-89857812-T-G.
Other names: c.1358A>C, p.Lys453Thr (NM_001286167.3); short protein forms K453T.
Identifiers: ClinVar variation 3713153 (VCV003713153.3).